The following is an entry in ClinVar:

NM_017763.6(RNF43):c.1408C>T (p.Pro470Ser)

Gene: RNF43 (ring finger protein 43; minus strand). Cytogenetic location: 17q22.
Variant type: single nucleotide variant.
Coding change: c.1408C>T on transcript NM_017763.6 (MANE Select); coding-DNA position 1408, C replaced by T.
Protein change: p.Pro470Ser; replaces proline 470 with serine.
Molecular consequence: missense variant.
Genome position (GRCh38, 1-based): chr17:58,358,368, G>A on the plus strand (C>T on the coding strand, the complement: RNF43 is on the minus strand). VCF-style: chr17-58358368-G-A. GRCh37 (hg19) VCF-style: chr17-56435729-G-A.
Other names: c.1408C>T, p.Pro470Ser (NM_001305544.3); c.1027C>T, p.Pro343Ser (NM_001305545.2); short protein forms P343S, P470S.
Identifiers: ClinVar variation 3363505 (VCV003363505.2).

ClinVar aggregate classification (germline): Uncertain significance. Review status: criteria provided, multiple submitters, no conflicts (2 of 4 stars). 2 submissions from 2 submitters: Uncertain significance (2). Last evaluated 2024-12-21.

gnomAD v4.1: 1 of 1,614,158 alleles (0.000062%); highest among the groups gnomAD compares: Non-Finnish European, 0.000085%; no homozygotes.

Submissions (2):

Ambry Genetics
Classification: Uncertain significance. Last evaluated: 2024-12-21. Review status: criteria provided, single submitter. Criteria: Ambry Variant Classification Scheme 2023. Collection method: clinical testing. Allele origin: germline.
Comment: The p.P470S variant (also known as c.1408C>T), located in coding exon 8 of the RNF43 gene, results from a C to T substitution at nucleotide position 1408. The proline at codon 470 is replaced by serine, an amino acid with similar properties. This amino acid position is conserved. In addition, this alteration is predicted to be tolerated by in silico analysis. Based on the available evidence, the clinical significance of this variant remains unclear.

GeneDx
Classification: Uncertain significance. Last evaluated: 2023-10-25. Review status: criteria provided, single submitter. Criteria: GeneDx Variant Classification Process June 2021. Collection method: clinical testing. Allele origin: germline. Affected: yes.
Comment: Not observed at significant frequency in large population cohorts (gnomAD); In silico analysis supports that this missense variant does not alter protein structure/function; Has not been previously published as pathogenic or benign to our knowledge; Variants in candidate genes are classified as variants of uncertain significance in accordance with ACMG guidelines (PMID: 25741868)